The following is an entry in ClinVar:

ClinVar aggregate classification (germline): Benign/Likely benign. Review status: criteria provided, multiple submitters, no conflicts (2 of 4 stars). 6 submissions from 6 submitters: Benign (3); Likely benign (2). 1 of the submissions does not count toward it. Last evaluated 2026-01-11.

Conditions:
SNTA1-related disorder. Also called: SNTA1-related condition.
Cardiovascular phenotype. Identifiers: MedGen CN230736.
Long QT syndrome (LQTS). Identifiers: MedGen C0023976, MeSH D008133, MONDO:0002442. Disease mechanism: loss of function. Inheritance: Various modes of inheritance.
Long QT syndrome 12 (LQT12). Identifiers: Orphanet 101016, Orphanet 768, MedGen C2751830, MONDO:0013062, OMIM 612955.

Allele frequency attached by ClinVar (database versions not stated): gnomAD exomes 0.00019 and 0.00054; ExAC 0.00068; 1000 Genomes Project 0.00180; 1000 Genomes Project 30x 0.00187; gnomAD 0.00205 and 0.00221; ESP Exome Variant Server 0.00231; TOPMed 0.00238.
gnomAD v4.1: 601 of 1,613,348 alleles (0.037%); highest among the groups gnomAD compares: African/African-American, 0.71%; 5 homozygotes.

Submissions (6):

Labcorp Genetics (formerly Invitae), Labcorp
Classification: Benign for Long QT syndrome. Last evaluated: 2026-01-11. Review status: criteria provided, single submitter. Criteria: Invitae Variant Classification Sherloc (09022015). Collection method: clinical testing. Allele origin: germline.

Women's Health and Genetics/Laboratory Corporation of America, LabCorp
Classification: Benign. Last evaluated: 2025-03-24. Review status: criteria provided, single submitter. Criteria: LabCorp Variant Classification Summary - May 2015. Collection method: clinical testing. Allele origin: germline.

ARUP Laboratories, Molecular Genetics and Genomics, ARUP Laboratories
Classification: Likely benign for Long QT syndrome 12. Last evaluated: 2020-06-23. Review status: criteria provided, single submitter. Criteria: ARUP Molecular Germline Variant Investigation Process. Collection method: clinical testing. Allele origin: germline.

Ambry Genetics
Classification: Likely benign for Cardiovascular phenotype. Last evaluated: 2019-02-01. Review status: criteria provided, single submitter. Criteria: Ambry Variant Classification Scheme 2023. Collection method: clinical testing. Allele origin: germline.

GeneDx
Classification: Benign. Last evaluated: 2015-09-11. Review status: criteria provided, single submitter. Criteria: GeneDx Variant Classification (06012015). Collection method: clinical testing. Allele origin: germline. Affected: yes.
Comment: This variant is considered likely benign or benign based on one or more of the following criteria: it is a conservative change, it occurs at a poorly conserved position in the protein, it is predicted to be benign by multiple in silico algorithms, and/or has population frequency not consistent with disease.

PreventionGenetics, part of Exact Sciences
Classification: Likely benign for SNTA1-related condition. Last evaluated: 2019-04-25. Review status: no assertion criteria provided. Collection method: clinical testing. Allele origin: germline. Not counted in ClinVar's aggregate classification.
Comment: This variant is classified as likely benign based on ACMG/AMP sequence variant interpretation guidelines (Richards et al. 2015 PMID: 25741868, with internal and published modifications).

NM_003098.3(SNTA1):c.1426-5T>C

Gene: SNTA1 (syntrophin alpha 1; minus strand). Cytogenetic location: 20q11.21.
Variant type: single nucleotide variant.
Coding change: c.1426-5T>C on transcript NM_003098.3 (MANE Select); 5 bases into the intron before coding-DNA position 1426, T replaced by C.
Molecular consequence: intron variant.
Genome position (GRCh38, 1-based): chr20:33,408,604, A>G on the plus strand (T>C on the coding strand, the complement: SNTA1 is on the minus strand). VCF-style: chr20-33408604-A-G. GRCh37 (hg19) VCF-style: chr20-31996410-A-G.
Identifiers: ClinVar variation 215503 (VCV000215503.25), dbSNP rs183939417, ClinGen allele CA338828.